The following is an entry in ClinVar:

ClinVar aggregate classification (germline): Uncertain significance (1 of 4 stars; one submission).

Conditions:
ALMS1-related disorder. Also called: ALMS1-related condition.

Submission:

PreventionGenetics, part of Exact Sciences
Classification: Uncertain significance for ALMS1-related condition. Last evaluated: 2025-05-13. Review status: criteria provided, single submitter. Criteria: ACMG Guidelines, 2015. Collection method: clinical testing. Allele origin: germline.
Comment: The ALMS1 c.5503C>G variant is predicted to result in the amino acid substitution p.Pro1835Ala. To our knowledge, this variant has not been reported in the literature or in a large population database (gnomAD), indicating this variant is rare. At this time, the clinical significance of this variant is uncertain due to the absence of conclusive functional and genetic evidence.

NM_001378454.1(ALMS1):c.5500C>G (p.Pro1834Ala)

Gene: ALMS1 (ALMS1 centrosome and basal body associated protein; plus strand). Cytogenetic location: 2p13.1.
Variant type: single nucleotide variant.
Coding change: c.5500C>G on transcript NM_001378454.1 (MANE Select); coding-DNA position 5500, C replaced by G.
Protein change: p.Pro1834Ala; replaces proline 1834 with alanine.
Molecular consequence: missense variant.
Genome position (GRCh38, 1-based): chr2:73,452,027, C>G. VCF-style: chr2-73452027-C-G. GRCh37 (hg19) VCF-style: chr2-73679154-C-G.
Other names: c.5503C>G, p.Pro1835Ala (NM_015120.4); short protein forms P1834A, P1835A.
Identifiers: ClinVar variation 4997965 (VCV004997965.1).
Genomic context (GRCh38, chr2:73,452,027, plus strand): 5'-GTTTCCTACCAGCGAGAGTTGCCGCATTTTACTGAAGCAGGTTTGAAAATTTTAAGAGTT[C>G]CTGGACCAGCTGACCAGAAGACTGGAATAAACATCCTGCCCTCTAATTCCTACCCACAGA-3'
Protein context (NP_001365383.1, residues 1824-1844): TEAGLKILRV[Pro1834Ala]GPADQKTGIN